The following is an entry in ClinVar:

ClinVar aggregate classification (germline): Uncertain significance (1 of 4 stars; one submission).

Submission:

Dasa
Classification: Uncertain significance. Last evaluated: 2025-06-14. Review status: criteria provided, single submitter. Criteria: DASA Assertion Criteria. Collection method: clinical testing. Allele origin: germline.
Comment: NM_018489.3(ASH1L):c.7348G>A (p.Gly2450Ser) is a missense variant that results in the substitution of glycine with serine. This variant is absent from population databases. Computational prediction algorithms are consistent with a benign effect. The currently available literature and clinical evidence are not sufficient to establish a definitive association between this variant and the reported condition. Therefore, this variant is classified as a variant of uncertain significance.

NM_018489.3(ASH1L):c.7348G>A (p.Gly2450Ser)

Gene: ASH1L (ASH1 like histone lysine methyltransferase; minus strand). Cytogenetic location: 1q22.
Variant type: single nucleotide variant.
Coding change: c.7348G>A on transcript NM_018489.3 (MANE Select); coding-DNA position 7348, G replaced by A.
Protein change: p.Gly2450Ser; replaces glycine 2450 with serine.
Molecular consequence: missense variant.
Genome position (GRCh38, 1-based): chr1:155,352,724, C>T on the plus strand (G>A on the coding strand, the complement: ASH1L is on the minus strand). VCF-style: chr1-155352724-C-T. GRCh37 (hg19) VCF-style: chr1-155322515-C-T.
Other names: c.7363G>A, p.Gly2455Ser (NM_001366177.2); short protein forms G2450S, G2455S.
Identifiers: ClinVar variation 4881611 (VCV004881611.2).